The following is an entry in ClinVar:

ClinVar aggregate classification (germline): Pathogenic (1 of 4 stars; one submission).

Submission:

GeneDx
Classification: Pathogenic. Last evaluated: 2017-02-13. Review status: criteria provided, single submitter. Criteria: GeneDx Variant Classification (06012015). Collection method: clinical testing. Allele origin: germline. Affected: yes.
Comment: The c.2315delC pathogenic variant has not been published as a pathogenic variant, nor has it been reported as a benign variant to our knowledge. This pathogenic variant is predicted to cause loss of normal protein function either through protein truncation or nonsense-mediated mRNA decay. The c.2315delC variant was not observed in approximately 6500 individuals of European and African American ancestry in the NHLBI Exome Sequencing Project, indicating it is not a common benign variant in these populations. Several pathogenic frameshift variants in nearby residues (c.2318_2319delCA and c.2322_2323delGA) have been reported in the Human Gene Mutation Database in association with Cornelia de Lange syndrome (Stenson et al., 2014), supporting similar effects are deleterious. Therefore, the presence of this pathogenic variant is consistent with the diagnosis of Cornelia de Lange syndrome

NM_133433.4(NIPBL):c.2315del (p.Ser772fs)

Gene: NIPBL (NIPBL cohesin loading factor; plus strand). Cytogenetic location: 5p13.2.
Variant type: Deletion.
Coding change: c.2315del on transcript NM_133433.4 (MANE Select); coding-DNA position 2315, one base deleted (C; older notation c.2315delC).
Protein change: p.Ser772fs; shifts the reading frame from serine 772.
Molecular consequence: frameshift variant.
Genome position (GRCh38, 1-based): chr5:36,985,495, C deleted. VCF-style (leftmost placement, unchanged base first): chr5-36985494-TC-T. GRCh37 (hg19) VCF-style: chr5-36985596-TC-T.
Other names: c.2315del, p.Ser772fs (NM_015384.5); short protein forms S772fs.
Identifiers: ClinVar variation 423537 (VCV000423537.2), dbSNP rs1064796481, ClinGen allele CA16618201.
Genomic context (GRCh38, chr5:36,985,494, plus strand): 5'-GAAGGGCGACCTGAAACACCAAAACACAGGCATGACAATAGGAGGGATTCTGGAAAGCCA[TC>T]TACAGAGAAAAAACCTGAAGTGTCTAAACATAAACAAGATACTAAATCTGACTCACCTCG-3'